The following is an entry in ClinVar:

ClinVar aggregate classification (germline): Uncertain significance (1 of 4 stars; one submission).

Conditions:
Familial cancer of breast. Also called: hereditary breast carcinoma; Hereditary breast cancer; BREAST CANCER, FAMILIAL. Identifiers: Orphanet 227535, MedGen C0346153, MONDO:0016419, OMIM 114480. Disease mechanism: loss of function.
Fanconi anemia complementation group J. Also called: BRIP1-Related Fanconi Anemia. Identifiers: Orphanet 84, MedGen C1836860, MONDO:0012187, OMIM 609054.

Submission:

Labcorp Genetics (formerly Invitae), Labcorp
Classification: Uncertain significance for Familial cancer of breast; Fanconi anemia complementation group J. Last evaluated: 2021-05-30. Review status: criteria provided, single submitter. Criteria: Invitae Variant Classification Sherloc (09022015). Collection method: clinical testing. Allele origin: germline.
Comment: In summary, the available evidence is currently insufficient to determine the role of this variant in disease. Therefore, it has been classified as a Variant of Uncertain Significance. Algorithms developed to predict the effect of sequence changes on RNA splicing suggest that this variant may create or strengthen a splice site, but this prediction has not been confirmed by published transcriptional studies. Algorithms developed to predict the effect of missense changes on protein structure and function (SIFT, PolyPhen-2, Align-GVGD) all suggest that this variant is likely to be disruptive, but these predictions have not been confirmed by published functional studies and their clinical significance is uncertain. This variant has not been reported in the literature in individuals with BRIP1-related conditions. This variant is not present in population databases (ExAC no frequency). This sequence change replaces alanine with glycine at codon 759 of the BRIP1 protein (p.Ala759Gly). The alanine residue is highly conserved and there is a small physicochemical difference between alanine and glycine.

NM_032043.3(BRIP1):c.2276C>G (p.Ala759Gly)

Gene: BRIP1 (BRCA1 interacting DNA helicase 1; minus strand). Cytogenetic location: 17q23.2.
Variant type: single nucleotide variant.
Coding change: c.2276C>G on transcript NM_032043.3 (MANE Select); coding-DNA position 2276, C replaced by G.
Protein change: p.Ala759Gly; replaces alanine 759 with glycine.
Molecular consequence: missense variant.
Genome position (GRCh38, 1-based): chr17:61,743,116, G>C on the plus strand (C>G on the coding strand, the complement: BRIP1 is on the minus strand). VCF-style: chr17-61743116-G-C. GRCh37 (hg19) VCF-style: chr17-59820477-G-C.
Other names: short protein forms A759G.
Identifiers: ClinVar variation 1509225 (VCV001509225.9), dbSNP rs2144679532, ClinGen allele CA400482732.